The following is an entry in ClinVar:

ClinVar aggregate classification (germline): Likely pathogenic (1 of 4 stars; one submission).

Conditions:
Multiple sulfatase deficiency (MSD). Also called: Mucosulfatidosis; Multiple Sulfatase Deficiency Disease; Sulfatidosis, Juvenile, Austin Type. Identifiers: Orphanet 585, MedGen C0268263, MONDO:0010088, OMIM 272200.

gnomAD v4.1: 1 of 1,613,054 alleles (0.000062%); highest among the groups gnomAD compares: Non-Finnish European, 0.000085%; no homozygotes.

Submission:

Natera, Inc.
Classification: Likely pathogenic for Multiple sulfatase deficiency. Last evaluated: 2024-05-01. Review status: criteria provided, single submitter. Criteria: Natera Variant Classification Schema (03/2026). Collection method: clinical testing. Allele origin: germline.
Comment: The c.841-2A>G variant in SUMF1 is a canonical splice acceptor site variant predicted to affect pre-mRNA splicing, which may result in an abnormal transcript and altered protein product. This variant is expected to result in nonsense mediated decay, truncation, or a dysfunctional protein product. This variant is rare in the general population with a frequency below the threshold expected for the associated phenotype(s). Given the available evidence, this variant is classified as Likely Pathogenic.

NM_182760.4(SUMF1):c.841-2A>G

Gene: SUMF1 (sulfatase modifying factor 1; minus strand). Cytogenetic location: 3p26.1.
Variant type: single nucleotide variant.
Coding change: c.841-2A>G on transcript NM_182760.4 (MANE Select); the canonical splice acceptor site of the intron before coding-DNA position 841, A replaced by G.
Molecular consequence: splice acceptor variant.
Genome position (GRCh38, 1-based): chr3:4,410,980, T>C on the plus strand (A>G on the coding strand, the complement: SUMF1 is on the minus strand). VCF-style: chr3-4410980-T-C. GRCh37 (hg19) VCF-style: chr3-4452664-T-C.
Other names: c.766-2A>G (NM_001164674.2); c.841-2A>G (NM_001164675.2).
Identifiers: ClinVar variation 4817004 (VCV004817004.1).